The following is an entry in ClinVar:

ClinVar aggregate classification (germline): Likely pathogenic (1 of 4 stars; one submission).

Submission:

Labcorp Genetics (formerly Invitae), Labcorp
Classification: Likely pathogenic. Last evaluated: 2025-12-02. Review status: criteria provided, single submitter. Criteria: Invitae Variant Classification Sherloc (09022015). Collection method: clinical testing. Allele origin: germline.
Comment: This sequence change affects a splice site in intron 10 of the TMC1 gene. It is expected to disrupt RNA splicing. Variants that disrupt the donor or acceptor splice site typically lead to a loss of protein function (PMID: 16199547), and loss-of-function variants in TMC1 are known to be pathogenic (PMID: 11850618, 22105175). Information on the frequency of this variant in the gnomAD database is not available, as this variant may be reported differently in the database. This variant has not been reported in the literature in individuals affected with TMC1-related conditions. In summary, the currently available evidence indicates that the variant is pathogenic, but additional data are needed to prove that conclusively. Therefore, this variant has been classified as Likely Pathogenic.

Literature cited by the submitters: PubMed 16199547; PubMed 11850618; PubMed 22105175.

NM_138691.3(TMC1):c.535+1_535+3delinsAGT

Gene: TMC1 (transmembrane channel like 1; plus strand). Cytogenetic location: 9q21.13.
Variant type: Indel.
Coding change: c.535+1_535+3delinsAGT on transcript NM_138691.3 (MANE Select); the canonical splice donor site of the intron after coding-DNA position 535 through 3 bases into the intron after coding-DNA position 535, GTA replaced by AGT.
Molecular consequence: splice donor variant.
Genome position (GRCh38, 1-based): chr9:72,742,526-72,742,528, GTA replaced by AGT. VCF-style: chr9-72742526-GTA-AGT. GRCh37 (hg19) VCF-style: chr9-75357442-GTA-AGT.
Identifiers: ClinVar variation 4732403 (VCV004732403.1).